The following is an entry in ClinVar:

ClinVar aggregate classification (germline): Uncertain significance (1 of 4 stars; one submission).

Submission:

Labcorp Genetics (formerly Invitae), Labcorp
Classification: Uncertain significance. Last evaluated: 2025-12-16. Review status: criteria provided, single submitter. Criteria: Invitae Variant Classification Sherloc (09022015). Collection method: clinical testing. Allele origin: germline.
Comment: This sequence change replaces glutamine, which is neutral and polar, with arginine, which is basic and polar, at codon 2921 of the TRRAP protein (p.Gln2921Arg). This variant is not present in population databases (gnomAD no frequency). This variant has not been reported in the literature in individuals affected with TRRAP-related conditions. Invitae Evidence Modeling of protein sequence and biophysical properties (such as structural, functional, and spatial information, amino acid conservation, physicochemical variation, residue mobility, and thermodynamic stability) indicates that this missense variant is not expected to disrupt TRRAP protein function with a negative predictive value of 80%. In summary, the available evidence is currently insufficient to determine the role of this variant in disease. Therefore, it has been classified as a Variant of Uncertain Significance.

NM_001375524.1(TRRAP):c.8837A>G (p.Gln2946Arg)

Gene: TRRAP (transformation/transcription domain associated protein; plus strand). Cytogenetic location: 7q22.1.
Variant type: single nucleotide variant.
Coding change: c.8837A>G on transcript NM_001375524.1 (MANE Select); coding-DNA position 8837, A replaced by G.
Protein change: p.Gln2946Arg; replaces glutamine 2946 with arginine.
Molecular consequence: missense variant.
Genome position (GRCh38, 1-based): chr7:98,983,274, A>G. VCF-style: chr7-98983274-A-G. GRCh37 (hg19) VCF-style: chr7-98580897-A-G.
Other names: c.8816A>G, p.Gln2939Arg (NM_001244580.2); c.8762A>G, p.Gln2921Arg (NM_003496.4); short protein forms Q2921R, Q2939R, Q2946R.
Identifiers: ClinVar variation 4742244 (VCV004742244.1).